The following is an entry in ClinVar:

ClinVar aggregate classification (germline): Likely benign. Review status: criteria provided, multiple submitters, no conflicts (2 of 4 stars). 6 submissions from 6 submitters: Likely benign (6). Last evaluated 2026-01-10.

Conditions:
Long QT syndrome (LQTS). Identifiers: MedGen C0023976, MeSH D008133, MONDO:0002442. Disease mechanism: loss of function. Inheritance: Various modes of inheritance.
Cardiovascular phenotype. Identifiers: MedGen CN230736.
Cardiac arrhythmia. Also called: Cardiac rhythm disease; Arrhythmia. Identifiers: MedGen C0003811, MONDO:0007263, HP:0011675.

Allele frequency attached by ClinVar (database versions not stated): 1000 Genomes Project 0.00020; 1000 Genomes Project 30x 0.00031; ExAC 0.00004; gnomAD 0.00005 and 0.00006; TOPMed 0.00005; gnomAD exomes 0.00007.
gnomAD v4.1: 62 of 1,614,112 alleles (0.0038%); highest among the groups gnomAD compares: South Asian, 0.029%; no homozygotes.

Submissions (6):

Labcorp Genetics (formerly Invitae), Labcorp
Classification: Likely benign for Long QT syndrome. Last evaluated: 2026-01-10. Review status: criteria provided, single submitter. Criteria: Invitae Variant Classification Sherloc (09022015). Collection method: clinical testing. Allele origin: germline.

Molecular Diagnostic Laboratory for Inherited Cardiovascular Disease, Montreal Heart Institute
Classification: Likely benign. Last evaluated: 2025-04-09. Review status: criteria provided, single submitter. Criteria: ACMG Guidelines, 2015. Collection method: clinical testing. Allele origin: germline. Affected: no.
Comment: BP6;BP7

All of Us Research Program, National Institutes of Health
Classification: Likely benign for Long QT syndrome. Last evaluated: 2023-12-13. Review status: criteria provided, single submitter. Criteria: ACMG Guidelines, 2015. Collection method: clinical testing. Allele origin: germline. Inheritance: Autosomal dominant inheritance. Observed: 7 variant alleles, 7 heterozygotes.
Comment: This study involves interpretation of variants in research participants for the purpose of population health screening. Participant phenotype was not available at the time of variant classification. Additional details can be found in publication PMID: 35346344, PMCID: PMC8962531

Ambry Genetics
Classification: Likely benign for Cardiovascular phenotype. Last evaluated: 2022-11-20. Review status: criteria provided, single submitter. Criteria: Ambry Variant Classification Scheme 2023. Collection method: clinical testing. Allele origin: germline.

GeneDx
Classification: Likely benign. Last evaluated: 2020-06-10. Review status: criteria provided, single submitter. Criteria: GeneDx Variant Classification Process June 2021. Collection method: clinical testing. Allele origin: germline. Affected: yes.

Color Diagnostics, LLC DBA Color Health
Classification: Likely benign for Arrhythmia. Last evaluated: 2019-03-27. Review status: criteria provided, single submitter. Criteria: ACMG Guidelines, 2015. Collection method: clinical testing. Allele origin: germline.

NM_000238.4(KCNH2):c.1512C>T (p.Ala504=)

Gene: KCNH2 (potassium voltage-gated channel subfamily H member 2; minus strand). Cytogenetic location: 7q36.1.
Variant type: single nucleotide variant.
Coding change: c.1512C>T on transcript NM_000238.4 (MANE Select); coding-DNA position 1512, C replaced by T.
Protein change: p.Ala504=; no amino-acid change (alanine 504 retained).
Molecular consequence: synonymous variant. On other transcripts: non-coding transcript variant (2).
Genome position (GRCh38, 1-based): chr7:150,952,470, G>A on the plus strand (C>T on the coding strand, the complement: KCNH2 is on the minus strand). VCF-style: chr7-150952470-G-A. GRCh37 (hg19) VCF-style: chr7-150649558-G-A.
Other names: c.1512C>T, p.Ala504= (NM_172056.3); c.492C>T, p.Ala164= (NM_172057.3, NM_001204798.2); c.1224C>T, p.Ala408= (NM_001406753.1, NM_001406756.1); c.1335C>T, p.Ala445= (NM_001406755.1); c.1212C>T, p.Ala404= (NM_001406757.1).
Identifiers: ClinVar variation 527089 (VCV000527089.21), dbSNP rs41311003, ClinGen allele CA028241.